The following is an entry in ClinVar:

NM_198578.4(LRRK2):c.1937_1940del (p.Thr646fs)

Gene: LRRK2 (leucine rich repeat kinase 2; plus strand). Cytogenetic location: 12q12.
Variant type: Deletion.
Coding change: c.1937_1940del on transcript NM_198578.4 (MANE Select); coding-DNA positions 1937 to 1940, 4 bases deleted (CTAA; older notation c.1937_1940delCTAA).
Protein change: p.Thr646fs; shifts the reading frame from threonine 646.
Molecular consequence: frameshift variant.
Genome position (GRCh38, 1-based): chr12:40,274,989-40,274,992, CTAA deleted; deleting any 4 consecutive bases within chr12:40,274,988-40,274,992 gives the same sequence; the c. name uses the placement nearest the transcript's 3' end. VCF-style (leftmost placement, unchanged base first): chr12-40274987-GACTA-G. GRCh37 (hg19) VCF-style: chr12-40668789-GACTA-G.
Other names: short protein forms T646fs.
Identifiers: ClinVar variation 1424812 (VCV001424812.6), dbSNP rs775290585, ClinGen allele CA6513492.
Genomic context (GRCh38, chr12:40,274,987, plus strand): 5'-TCTGCTGGCAAAAATTCTGGTTTCCAGCTTATACCGATTTAAGGATGTTGCTGAAATACA[GACTA>G]AAGTATGTGCATTATCTTGGAAAGAATTTGGGAACTTGTGCGAATTTCACTTTTGGAGCA-3'

ClinVar aggregate classification (germline): Uncertain significance (1 of 4 stars; one submission).

Conditions:
Autosomal dominant Parkinson disease 8. Also called: Parkinson disease 8, susceptibility to; LRRK2-Related Parkinson Disease; Parkinson disease 8. Identifiers: Orphanet 411602, MedGen C1846862, MONDO:0011764, OMIM 607060.

Submission:

Labcorp Genetics (formerly Invitae), Labcorp
Classification: Uncertain significance for Autosomal dominant Parkinson disease 8. Last evaluated: 2022-11-22. Review status: criteria provided, single submitter. Criteria: Invitae Variant Classification Sherloc (09022015). Collection method: clinical testing. Allele origin: germline.
Comment: This sequence change creates a premature translational stop signal (p.Thr646Lysfs*7) in the LRRK2 gene. It is expected to result in an absent or disrupted protein product. However, the current clinical and genetic evidence is not sufficient to establish whether loss-of-function variants in LRRK2 cause disease. This variant is present in population databases (rs775290585, gnomAD 0.0009%). This variant has not been reported in the literature in individuals affected with LRRK2-related conditions. ClinVar contains an entry for this variant (Variation ID: 1424812). In summary, the available evidence is currently insufficient to determine the role of this variant in disease. Therefore, it has been classified as a Variant of Uncertain Significance.